The following is an entry in ClinVar:

ClinVar aggregate classification (germline): Uncertain significance (1 of 4 stars; one submission).

Submission:

Ambry Genetics
Classification: Uncertain significance. Last evaluated: 2025-10-30. Review status: criteria provided, single submitter. Criteria: Ambry Variant Classification Scheme 2023. Collection method: clinical testing. Allele origin: germline.
Comment: The p.Q744R variant (also known as c.2231A>G), located in coding exon 1 of the TET2 gene, results from an A to G substitution at nucleotide position 2231. The glutamine at codon 744 is replaced by arginine, an amino acid with highly similar properties. This amino acid position is conserved. In addition, this alteration is predicted to be tolerated by in silico analysis. Based on the available evidence, the clinical significance of this variant remains unclear.

NM_001127208.3(TET2):c.2231A>G (p.Gln744Arg)

Genes: TET2 (tet methylcytosine dioxygenase 2; plus strand), TET2-AS1 (TET2 antisense RNA 1; minus strand). Cytogenetic location: 4q24.
Variant type: single nucleotide variant.
Coding change: c.2231A>G on transcript NM_001127208.3 (MANE Select); coding-DNA position 2231, A replaced by G.
Protein change: p.Gln744Arg; replaces glutamine 744 with arginine.
Molecular consequence: missense variant.
Genome position (GRCh38, 1-based): chr4:105,236,173, A>G. VCF-style: chr4-105236173-A-G. GRCh37 (hg19) VCF-style: chr4-106157330-A-G.
Other names: c.2231A>G, p.Gln744Arg (NM_017628.4); short protein forms Q744R.
Identifiers: ClinVar variation 4594178 (VCV004594178.1).